The following is an entry in ClinVar:

ClinVar aggregate classification (germline): Uncertain significance (1 of 4 stars; one submission).

Submission:

Women's Health and Genetics/Laboratory Corporation of America, LabCorp
Classification: Uncertain significance. Last evaluated: 2025-02-06. Review status: criteria provided, single submitter. Criteria: LabCorp Variant Classification Summary - May 2015. Collection method: clinical testing. Allele origin: germline.
Comment: Variant summary: SYNE2 c.6568A>C (p.Lys2190Gln) results in a conservative amino acid change in the encoded protein sequence. Five of five in-silico tools predict a benign effect of the variant on protein function. The variant was absent in 249460 control chromosomes. The available data on variant occurrences in the general population are insufficient to allow any conclusion about variant significance. To our knowledge, no occurrence of c.6568A>C in individuals affected with Emery-Dreifuss muscular dystrophy 5, autosomal dominant and no experimental evidence demonstrating its impact on protein function have been reported. No submitters have cited clinical-significance assessments for this variant to ClinVar. Based on the evidence outlined above, the variant was classified as uncertain significance.

NM_182914.3(SYNE2):c.6568A>C (p.Lys2190Gln)

Gene: SYNE2 (spectrin repeat containing nuclear envelope protein 2; plus strand). Cytogenetic location: 14q23.2.
Variant type: single nucleotide variant.
Coding change: c.6568A>C on transcript NM_182914.3 (MANE Select); coding-DNA position 6568, A replaced by C.
Protein change: p.Lys2190Gln; replaces lysine 2190 with glutamine.
Molecular consequence: missense variant.
Genome position (GRCh38, 1-based): chr14:64,027,647, A>C. VCF-style: chr14-64027647-A-C. GRCh37 (hg19) VCF-style: chr14-64494365-A-C.
Other names: c.6568A>C, p.Lys2190Gln (NM_015180.6); short protein forms K2190Q.
Identifiers: ClinVar variation 3768726 (VCV003768726.1).
Genomic context (GRCh38, chr14:64,027,647, plus strand): 5'-GCTCTACAACATGGTCTGCAGGAGAAGAAAGCTCAGTTAAAGATTTATAAGAAATTCCTC[A>C]AGAAAGCCCAAGATTTGACATCCTTGCTAAAGGAGTTAAAATCTCAGGGAAACTACCTCT-3'
Protein context (NP_878918.2, residues 2180-2200): AQLKIYKKFL[Lys2190Gln]KAQDLTSLLK